The following is an entry in ClinVar:

NM_000135.4(FANCA):c.44C>T (p.Pro15Leu)

Genes: FANCA (FA complementation group A; minus strand), LOC112486223 (Sharpr-MPRA regulatory region 3988; plus strand). Cytogenetic location: 16q24.3.
Variant type: single nucleotide variant.
Coding change: c.44C>T on transcript NM_000135.4 (MANE Select); coding-DNA position 44, C replaced by T.
Protein change: p.Pro15Leu; replaces proline 15 with leucine.
Molecular consequence: missense variant.
Genome position (GRCh38, 1-based): chr16:89,816,572, G>A on the plus strand (C>T on the coding strand, the complement: FANCA is on the minus strand). VCF-style: chr16-89816572-G-A. GRCh37 (hg19) VCF-style: chr16-89882980-G-A.
Other names: c.44C>T, p.Pro15Leu (NM_001018112.3, NM_001286167.3, NM_001351830.2); short protein forms P15L.
Identifiers: ClinVar variation 2982070 (VCV002982070.4), dbSNP rs2041140210, ClinGen allele CA397484496.

ClinVar aggregate classification (germline): Uncertain significance. Review status: criteria provided, multiple submitters, no conflicts (2 of 4 stars). 2 submissions from 2 submitters: Uncertain significance (2). Last evaluated 2025-10-19.

Conditions:
Inborn genetic diseases. Identifiers: MedGen C0950123, MeSH D030342.
Fanconi anemia (FA). Also called: Fanconi's anemia. Identifiers: Orphanet 84, MedGen C0015625, MeSH D005199, MONDO:0019391.

Allele frequency attached by ClinVar (database versions not stated): TOPMed below 0.00001.

Submissions (2):

Ambry Genetics
Classification: Uncertain significance for Inborn genetic diseases. Last evaluated: 2025-10-19. Review status: criteria provided, single submitter. Criteria: Ambry Variant Classification Scheme 2023. Collection method: clinical testing. Allele origin: germline.
Comment: The p.P15L variant (also known as c.44C>T), located in coding exon 1 of the FANCA gene, results from a C to T substitution at nucleotide position 44. The proline at codon 15 is replaced by leucine, an amino acid with similar properties. This amino acid position is conserved. In addition, this alteration is predicted to be tolerated by in silico analysis. Based on the available evidence, the clinical significance of this variant remains unclear.

Labcorp Genetics (formerly Invitae), Labcorp
Classification: Uncertain significance for Fanconi anemia. Last evaluated: 2023-11-18. Review status: criteria provided, single submitter. Criteria: Invitae Variant Classification Sherloc (09022015). Collection method: clinical testing. Allele origin: germline.
Comment: This sequence change replaces proline, which is neutral and non-polar, with leucine, which is neutral and non-polar, at codon 15 of the FANCA protein (p.Pro15Leu). This variant is not present in population databases (gnomAD no frequency). This variant has not been reported in the literature in individuals affected with FANCA-related conditions. Advanced modeling of protein sequence and biophysical properties (such as structural, functional, and spatial information, amino acid conservation, physicochemical variation, residue mobility, and thermodynamic stability) performed at Invitae indicates that this missense variant is not expected to disrupt FANCA protein function with a negative predictive value of 95%. In summary, the available evidence is currently insufficient to determine the role of this variant in disease. Therefore, it has been classified as a Variant of Uncertain Significance.